The following is an entry in ClinVar:

NM_012154.5(AGO2):c.2446C>T (p.His816Tyr)

Gene: AGO2 (argonaute RISC catalytic component 2; minus strand). Cytogenetic location: 8q24.3.
Variant type: single nucleotide variant.
Coding change: c.2446C>T on transcript NM_012154.5 (MANE Select); coding-DNA position 2446, C replaced by T.
Protein change: p.His816Tyr; replaces histidine 816 with tyrosine.
Molecular consequence: missense variant.
Genome position (GRCh38, 1-based): chr8:140,532,441, G>A on the plus strand (C>T on the coding strand, the complement: AGO2 is on the minus strand). VCF-style: chr8-140532441-G-A. GRCh37 (hg19) VCF-style: chr8-141542540-G-A.
Other names: c.2344C>T, p.His782Tyr (NM_001164623.3); short protein forms H782Y, H816Y.
Identifiers: ClinVar variation 3371904 (VCV003371904.1).
Genomic context (GRCh38, chr8:140,532,441, plus strand): 5'-CCCTGCTGTGACCTCCAGCCAGGCATGCCACTCACCTGTCATGTTCCTTATCCACCAGGT[G>A]GTACCTGGCCCGGAAGGCCACCAGGTGAGCGTAGTATGCTGGCGCTGGGATGGACACGGA-3'
Protein context (NP_036286.2, residues 806-826): AHLVAFRARY[His816Tyr]LVDKEHDSAE

ClinVar aggregate classification (germline): Uncertain significance (1 of 4 stars; one submission).

Submission:

GeneDx
Classification: Uncertain significance. Last evaluated: 2024-03-31. Review status: criteria provided, single submitter. Criteria: GeneDx Variant Classification Process June 2021. Collection method: clinical testing. Allele origin: germline. Affected: yes.
Comment: Not observed at significant frequency in large population cohorts (gnomAD); In silico analysis supports that this missense variant has a deleterious effect on protein structure/function; Has not been previously published as pathogenic or benign to our knowledge